The following is an entry in ClinVar:

NM_006206.6(PDGFRA):c.1204G>T (p.Val402Leu)

Gene: PDGFRA (platelet derived growth factor receptor alpha; plus strand). Cytogenetic location: 4q12.
Variant type: single nucleotide variant.
Coding change: c.1204G>T on transcript NM_006206.6 (MANE Select); coding-DNA position 1204, G replaced by T.
Protein change: p.Val402Leu; replaces valine 402 with leucine.
Molecular consequence: missense variant.
Genome position (GRCh38, 1-based): chr4:54,270,715, G>T. VCF-style: chr4-54270715-G-T. GRCh37 (hg19) VCF-style: chr4-55136882-G-T.
Other names: c.1204G>T, p.Val402Leu (NM_001347827.2, NM_001347829.2); c.1279G>T, p.Val427Leu (NM_001347828.2); c.1243G>T, p.Val415Leu (NM_001347830.2); short protein forms V427L, V402L, V415L.
Identifiers: ClinVar variation 2070401 (VCV002070401.4), dbSNP rs2110280096, ClinGen allele CA356892048.

ClinVar aggregate classification (germline): Uncertain significance (1 of 4 stars; one submission).

Conditions:
Gastrointestinal stromal tumor. Also called: Gastrointestinal stroma tumor; Gastrointestinal stromal tumor, somatic. Identifiers: Orphanet 44890, MedGen C0238198, MeSH D046152, MONDO:0011719, OMIM 606764, HP:0100723.

Submission:

Labcorp Genetics (formerly Invitae), Labcorp
Classification: Uncertain significance for Gastrointestinal stromal tumor. Last evaluated: 2022-07-22. Review status: criteria provided, single submitter. Criteria: Invitae Variant Classification Sherloc (09022015). Collection method: clinical testing. Allele origin: germline.
Comment: This sequence change replaces valine, which is neutral and non-polar, with leucine, which is neutral and non-polar, at codon 402 of the PDGFRA protein (p.Val402Leu). This variant is not present in population databases (gnomAD no frequency). This variant has not been reported in the literature in individuals affected with PDGFRA-related conditions. Algorithms developed to predict the effect of missense changes on protein structure and function (SIFT, PolyPhen-2, Align-GVGD) all suggest that this variant is likely to be tolerated. In summary, the available evidence is currently insufficient to determine the role of this variant in disease. Therefore, it has been classified as a Variant of Uncertain Significance.